The following is an entry in ClinVar:

ClinVar aggregate classification (germline): Benign/Likely benign. Review status: criteria provided, multiple submitters, no conflicts (2 of 4 stars). 6 submissions from 6 submitters: Benign (3); Likely benign (3). Last evaluated 2026-06-01.

Allele frequency attached by ClinVar (database versions not stated): ESP Exome Variant Server 0.00012; gnomAD 0.00029; gnomAD exomes 0.00037 and 0.00152; 1000 Genomes Project 0.00040; 1000 Genomes Project 30x 0.00047; TOPMed 0.00065; ExAC 0.00148.
gnomAD v4.1: 576 of 1,612,752 alleles (0.036%); highest among the groups gnomAD compares: Admixed American, 0.66%; 1 homozygote.

Submissions (7):

CeGaT Center for Human Genetics Tuebingen
Classification: Likely benign. Last evaluated: 2026-06-01. Review status: criteria provided, single submitter. Criteria: CeGaT Center For Human Genetics Tuebingen Variant Classification Criteria Version 2. Collection method: clinical testing. Allele origin: germline. Affected: yes. Observed: 4 variant alleles.
Comment: COL11A2: BP4, BP7

Labcorp Genetics (formerly Invitae), Labcorp
Classification: Benign. Last evaluated: 2026-02-01. Review status: criteria provided, single submitter. Criteria: Invitae Variant Classification Sherloc (09022015). Collection method: clinical testing. Allele origin: germline.

ARUP Laboratories, Molecular Genetics and Genomics, ARUP Laboratories
Classification: Benign. Last evaluated: 2025-06-26. Review status: criteria provided, single submitter. Criteria: ARUP Molecular Germline Variant Investigation Process 2024. Collection method: clinical testing. Allele origin: germline.

Blueprint Genetics
Classification: Likely benign. Last evaluated: 2024-07-19. Review status: criteria provided, single submitter. Criteria: ACMG Guidelines, 2015. Collection method: clinical testing. Allele origin: germline.

GeneDx
Classification: Likely benign. Last evaluated: 2018-06-05. Review status: criteria provided, single submitter. Criteria: GeneDx Variant Classification (06012015). Collection method: clinical testing. Allele origin: germline. Affected: yes.
Comment: This variant is considered likely benign or benign based on one or more of the following criteria: it is a conservative change, it occurs at a poorly conserved position in the protein, it is predicted to be benign by multiple in silico algorithms, and/or has population frequency not consistent with disease.

Laboratory for Molecular Medicine, Mass General Brigham Personalized Medicine
Classification: Benign. Last evaluated: 2015-02-26. Review status: criteria provided, single submitter. Criteria: LMM Criteria. Collection method: clinical testing. Allele origin: germline. Observed: 5 variant alleles.
Comment: p.Gly625Gly in exon 22 of COL11A2: This variant is not expected to have clinical significance because it does not alter an amino acid residue, is not located wi thin the splice consensus sequence, and has been identified in 1.4% (154/11388) of Latino chromosomes by the Exome Aggregation Consortium (ExAC; dbSNP rs141815296).

Dr. Peter K. Rogan Lab, Western University
No classification provided (evidence only). Condition: Malignant tumor of urinary bladder. Review status: no classification provided. Collection method: in vitro. Allele origin: not applicable. Functional consequence: retained intron. Not counted in ClinVar's aggregate classification.

NM_080680.3(COL11A2):c.1875C>T (p.Gly625=)

Gene: COL11A2 (collagen type XI alpha 2 chain; minus strand). Cytogenetic location: 6p21.32.
Variant type: single nucleotide variant.
Coding change: c.1875C>T on transcript NM_080680.3 (MANE Select); coding-DNA position 1875, C replaced by T.
Protein change: p.Gly625=; no amino-acid change (glycine 625 retained).
Molecular consequence: synonymous variant.
Genome position (GRCh38, 1-based): chr6:33,177,704, G>A on the plus strand (C>T on the coding strand, the complement: COL11A2 is on the minus strand). VCF-style: chr6-33177704-G-A. GRCh37 (hg19) VCF-style: chr6-33145481-G-A.
Other names: c.1554C>T, p.Gly518= (NM_080679.3); c.1617C>T, p.Gly539= (NM_080681.3).
Identifiers: ClinVar variation 178329 (VCV000178329.24), dbSNP rs141815296, ClinGen allele CA182120.